The following is an entry in ClinVar:

NM_058216.3(RAD51C):c.103G>A (p.Ala35Thr)

Gene: RAD51C (RAD51 paralog C; plus strand). Cytogenetic location: 17q22.
Variant type: single nucleotide variant.
Coding change: c.103G>A on transcript NM_058216.3 (MANE Select); coding-DNA position 103, G replaced by A.
Protein change: p.Ala35Thr; replaces alanine 35 with threonine.
Molecular consequence: missense variant. On other transcripts: non-coding transcript variant (1).
Genome position (GRCh38, 1-based): chr17:58,692,746, G>A. VCF-style: chr17-58692746-G-A. GRCh37 (hg19) VCF-style: chr17-56770107-G-A.
Other names: c.103G>A, p.Ala35Thr (NM_002876.4); short protein forms A35T.
Identifiers: ClinVar variation 4149898 (VCV004149898.2).

ClinVar aggregate classification (germline): Conflicting classifications of pathogenicity. Review status: criteria provided, conflicting classifications (1 of 4 stars). 2 submissions from 2 submitters: Uncertain significance (1); Likely benign (1). Last evaluated 2025-08-30.

Conditions:
Hereditary cancer-predisposing syndrome. Also called: Neoplastic Syndromes, Hereditary; Tumor predisposition; Hereditary Cancer Syndrome; Hereditary neoplastic syndrome. Identifiers: Orphanet 140162, MedGen C0027672, MeSH D009386, MONDO:0015356.
Fanconi anemia complementation group O. Also called: RAD51C-Related Fanconi Anemia. Identifiers: Orphanet 84, MedGen C3150653, MONDO:0013248, OMIM 613390.

gnomAD v4.1: 6 of 1,614,148 alleles (0.00037%); highest among the groups gnomAD compares: South Asian, 0.0044%; no homozygotes.

Submissions (2):

Ambry Genetics
Classification: Likely benign for Hereditary cancer-predisposing syndrome. Last evaluated: 2025-08-30. Review status: criteria provided, single submitter. Criteria: Ambry Variant Classification Scheme 2023. Collection method: clinical testing. Allele origin: germline.

Labcorp Genetics (formerly Invitae), Labcorp
Classification: Uncertain significance for Fanconi anemia complementation group O. Last evaluated: 2025-05-28. Review status: criteria provided, single submitter. Criteria: Invitae Variant Classification Sherloc (09022015). Collection method: clinical testing. Allele origin: germline.
Comment: This sequence change replaces alanine, which is neutral and non-polar, with threonine, which is neutral and polar, at codon 35 of the RAD51C protein (p.Ala35Thr). This variant is present in population databases (no rsID available, gnomAD 0.003%). This variant has not been reported in the literature in individuals affected with RAD51C-related conditions. Invitae Evidence Modeling of protein sequence and biophysical properties (such as structural, functional, and spatial information, amino acid conservation, physicochemical variation, residue mobility, and thermodynamic stability) indicates that this missense variant is not expected to disrupt RAD51C protein function with a negative predictive value of 80%. In summary, the available evidence is currently insufficient to determine the role of this variant in disease. Therefore, it has been classified as a Variant of Uncertain Significance.